The following is an entry in ClinVar:

NM_013275.6(ANKRD11):c.6911_6936del (p.Glu2304fs)

Gene: ANKRD11 (ankyrin repeat domain containing 11; minus strand). Cytogenetic location: 16q24.3.
Variant type: Deletion.
Coding change: c.6911_6936del on transcript NM_013275.6 (MANE Select); coding-DNA positions 6911 to 6936, 26 bases deleted (AAGGCCCTCCTGGCGGCATCCAGCCG).
Protein change: p.Glu2304fs; shifts the reading frame from glutamic acid 2304.
Molecular consequence: frameshift variant.
Genome position (GRCh38, 1-based): chr16:89,279,606-89,279,631, CGGCTGGATGCCGCCAGGAGGGCCTT deleted on the plus strand (AAGGCCCTCCTGGCGGCATCCAGCCG on the coding strand, the reverse complement: ANKRD11 is on the minus strand); deleting any 26 consecutive bases within chr16:89,279,606-89,279,638 gives the same sequence; the c. name uses the placement nearest the transcript's 3' end. VCF-style (leftmost placement, unchanged base first): chr16-89279605-CCGGCTGGATGCCGCCAGGAGGGCCTT-C. GRCh37 (hg19) VCF-style: chr16-89346013-CCGGCTGGATGCCGCCAGGAGGGCCTT-C.
Other names: c.6911_6936del, p.Glu2304fs (NM_001256182.2, NM_001256183.2); short protein forms E2304fs.
Identifiers: ClinVar variation 1756129 (VCV001756129.2), dbSNP rs2544219937, ClinGen allele CA2580092373.

ClinVar aggregate classification (germline): Pathogenic (1 of 4 stars; one submission).

Conditions:
Inborn genetic diseases. Identifiers: MedGen C0950123, MeSH D030342.

Submission:

Ambry Genetics
Classification: Pathogenic for Inborn genetic diseases. Last evaluated: 2019-09-10. Review status: criteria provided, single submitter. Criteria: Ambry Variant Classification Scheme 2023. Collection method: clinical testing. Allele origin: germline.
Comment: The c.6911_6936del26 pathogenic mutation, located in coding exon 7 of the ANKRD11 gene, results from a deletion of 26 nucleotides at nucleotide positions 6911 to 6936, causing a translational frameshift with a predicted alternate stop codon (p.E2304Gfs*219). This alteration is expected to result in loss of function by premature protein truncation or nonsense-mediated mRNA decay. As such, this alteration is interpreted as a disease-causing mutation.